The following is an entry in ClinVar:

ClinVar aggregate classification (germline): Uncertain significance (1 of 4 stars; one submission).

Submission:

Clinical Genomics Laboratory, Washington University in St. Louis
Classification: Uncertain significance. Last evaluated: 2023-09-05. Review status: criteria provided, single submitter. Criteria: ACMG Guidelines, 2015. Collection method: clinical testing. Allele origin: germline.
Comment: The BNC2 c.1907C>G (p.Ser636Ter) variant, to our knowledge, has not been reported in the medical literature and is absent from the general population (gnomAD v.2.1.1), indicating it is not a common variant. This variant causes a premature termination codon; however, because this occurs in the penultimate exon, this is not predicted to lead to nonsense mediated decay. Two of the basonuclein 2 zinc finger domains are located downstream of this variant and would be predicted to be deleted (Vanhoutteghem A et al., PMID: 20870008). Due to limited information, the clinical significance of this variant is uncertain.

NM_017637.6(BNC2):c.1907C>G (p.Ser636Ter)

Genes: BNC2 (basonuclin zinc finger protein 2; minus strand), LOC126860585 (MED14-independent group 3 enhancer GRCh37_chr9:16435259-16436458; plus strand). Cytogenetic location: 9p22.3.
Variant type: single nucleotide variant.
Coding change: c.1907C>G on transcript NM_017637.6 (MANE Select); coding-DNA position 1907, C replaced by G.
Protein change: p.Ser636Ter; replaces serine 636 with a stop codon.
Molecular consequence: nonsense.
Genome position (GRCh38, 1-based): chr9:16,436,287, G>C on the plus strand (C>G on the coding strand, the complement: BNC2 is on the minus strand). VCF-style: chr9-16436287-G-C. GRCh37 (hg19) VCF-style: chr9-16436285-G-C.
Other names: c.1781C>G, p.Ser594Ter (NM_001317939.2); c.1622C>G, p.Ser541Ter (NM_001317940.2); short protein forms S541*, S594*, S636*.
Identifiers: ClinVar variation 2672121 (VCV002672121.1), dbSNP rs2547713805, ClinGen allele CA372992094.